The following is an entry in ClinVar:

NM_000404.4(GLB1):c.553-119A>G

Gene: GLB1 (galactosidase beta 1; minus strand). Cytogenetic location: 3p22.3.
Variant type: single nucleotide variant.
Coding change: c.553-119A>G on transcript NM_000404.4 (MANE Select); 119 bases into the intron before coding-DNA position 553, A replaced by G.
Molecular consequence: intron variant.
Genome position (GRCh38, 1-based): chr3:33,058,388, T>C on the plus strand (A>G on the coding strand, the complement: GLB1 is on the minus strand). VCF-style: chr3-33058388-T-C. GRCh37 (hg19) VCF-style: chr3-33099880-T-C.
Other names: c.553-119A>G (NM_001393580.1); c.341-4839A>G (NM_001135602.3); c.697-119A>G (NM_001317040.2); c.463-119A>G (NM_001079811.3).
Identifiers: ClinVar variation 677897 (VCV000677897.2), dbSNP rs7637435, ClinGen allele CA72670797.

ClinVar aggregate classification (germline): Benign. Review status: criteria provided, multiple submitters, no conflicts (2 of 4 stars). 2 submissions from 2 submitters: Benign (2). Last evaluated 2018-06-19.

Allele frequency attached by ClinVar (database versions not stated): 1000 Genomes Project 0.96166; 1000 Genomes Project 30x 0.96205; TOPMed 0.96870; gnomAD 0.97005 and 0.97195.
gnomAD v4.1: 1,441,781 of 1,449,752 alleles (99%); highest among the groups gnomAD compares: East Asian, 100%; 717,270 homozygotes.

Submissions (2):

GeneDx
Classification: Benign. Last evaluated: 2018-06-19. Review status: criteria provided, single submitter. Criteria: GeneDx Variant Classification (06012015). Collection method: clinical testing. Allele origin: germline. Affected: yes.
Comment: This variant is considered likely benign or benign based on one or more of the following criteria: it is a conservative change, it occurs at a poorly conserved position in the protein, it is predicted to be benign by multiple in silico algorithms, and/or has population frequency not consistent with disease.

Breakthrough Genomics
Classification: Benign. Review status: criteria provided, single submitter. Criteria: ACMG Guidelines, 2015. Collection method: not provided. Allele origin: germline. Inheritance: Autosomal recessive inheritance. Affected: yes.